The following is an entry in ClinVar:

ClinVar aggregate classification (germline): Benign/Likely benign. Review status: criteria provided, multiple submitters, no conflicts (2 of 4 stars). 18 submissions from 16 submitters: Benign (6); Likely benign (7). 5 of the submissions do not count toward it. Last evaluated 2026-09-16.

Conditions:
MYH6-related disorder. Also called: MYH6-Related Disorders; MYH6-related condition.
Cardiovascular phenotype. Identifiers: MedGen CN230736.
Cardiomyopathy (CMYO). Also called: Cardiomyopathies. Identifiers: Orphanet 167848, MedGen C0878544, MONDO:0004994, HP:0001638. Inheritance: Various modes of inheritance.
Dilated cardiomyopathy 1EE (CMD1EE). Identifiers: Orphanet 154, MedGen C2750466, MONDO:0013198, OMIM 613252.
Atrial septal defect 3 (ASD3). Identifiers: Orphanet 1478, MedGen C3279790, MONDO:0013567, OMIM 614089.
Hypertrophic cardiomyopathy 14. Identifiers: MedGen C2750467, MONDO:0013197, OMIM 613251.

Allele frequency attached by ClinVar (database versions not stated): 1000 Genomes Project 0.00020; 1000 Genomes Project 30x 0.00031; gnomAD 0.00163 and 0.00172; TOPMed 0.00167; ExAC 0.00176; gnomAD exomes 0.00180 and 0.00333; ESP Exome Variant Server 0.00185.
gnomAD v4.1: 5,063 of 1,614,208 alleles (0.31%); highest among the groups gnomAD compares: Non-Finnish European, 0.41%; 12 homozygotes.

Submissions (18):

PreventionGenetics, part of Exact Sciences
Classification: Likely benign for MYH6-related condition. Last evaluated: 2026-09-16. Review status: criteria provided, single submitter. Criteria: ACMG Guidelines, 2015. Collection method: clinical testing. Allele origin: germline.
Comment: This variant is classified as likely benign based on ACMG/AMP sequence variant interpretation guidelines (Richards et al. 2015 PMID: 25741868, with internal and published modifications).

CeGaT Center for Human Genetics Tuebingen
Classification: Benign. Last evaluated: 2026-03-01. Review status: criteria provided, single submitter. Criteria: CeGaT Center For Human Genetics Tuebingen Variant Classification Criteria Version 2. Collection method: clinical testing. Allele origin: germline. Affected: yes. Observed: 8 variant alleles.
Comment: MYH6: BP4, BS1, BS2

Labcorp Genetics (formerly Invitae), Labcorp
Classification: Likely benign for Hypertrophic cardiomyopathy 14. Last evaluated: 2026-01-28. Review status: criteria provided, single submitter. Criteria: Invitae Variant Classification Sherloc (09022015). Collection method: clinical testing. Allele origin: germline.

ARUP Laboratories, Molecular Genetics and Genomics, ARUP Laboratories
Classification: Likely benign. Last evaluated: 2025-04-22. Review status: criteria provided, single submitter. Criteria: ARUP Molecular Germline Variant Investigation Process 2024. Collection method: clinical testing. Allele origin: germline.

Blueprint Genetics
Classification: Likely benign. Last evaluated: 2024-11-19. Review status: criteria provided, single submitter. Criteria: ACMG Guidelines, 2015. Collection method: clinical testing. Allele origin: germline.

GeneDx
Classification: Likely benign. Last evaluated: 2020-10-22. Review status: criteria provided, single submitter. Criteria: GeneDx Variant Classification Process June 2021. Collection method: clinical testing. Allele origin: germline. Affected: yes.
Comment: This variant is associated with the following publications: (PMID: 23396983, 26656175, 32277046)

CHEO Genetics Diagnostic Laboratory, Children's Hospital of Eastern Ontario
Classification: Benign for Cardiomyopathy. Last evaluated: 2020-06-24. Review status: criteria provided, single submitter. Criteria: ACMG Guidelines, 2015. Collection method: clinical testing. Allele origin: germline. Study: Canadian Open Genetics Repository.

Ambry Genetics
Classification: Likely benign for Cardiovascular phenotype. Last evaluated: 2018-07-19. Review status: criteria provided, single submitter. Criteria: Ambry Variant Classification Scheme 2023. Collection method: clinical testing. Allele origin: germline.

Phosphorus, Inc.
Classification: Benign for Atrial septal defect 3. Last evaluated: 2017-08-01. Review status: criteria provided, single submitter. Criteria: ACMG Guidelines, 2015. Collection method: clinical testing. Allele origin: germline. Observed: 1 variant allele.

Phosphorus, Inc.
Classification: Benign for Dilated cardiomyopathy 1EE. Last evaluated: 2017-08-01. Review status: criteria provided, single submitter. Criteria: ACMG Guidelines, 2015. Collection method: clinical testing. Allele origin: germline. Observed: 1 variant allele.

Phosphorus, Inc.
Classification: Benign for Hypertrophic cardiomyopathy 14. Last evaluated: 2017-08-01. Review status: criteria provided, single submitter. Criteria: ACMG Guidelines, 2015. Collection method: clinical testing. Allele origin: germline. Observed: 1 variant allele.

Women's Health and Genetics/Laboratory Corporation of America, LabCorp
Classification: Benign. Last evaluated: 2016-02-29. Review status: criteria provided, single submitter. Criteria: LabCorp Variant Classification Summary - May 2015. Collection method: clinical testing. Allele origin: germline.
Comment: Variant summary: The c.2928+5G>A variant affects a conserved intronic nucleotide. One in-silico tool predicts damaging outcome for this variant. 4/5 programs in Alamut predict that this variant does not significantly affect normal splicing. This variant is found in 214/121412 control chromosomes at a frequency of 0.0017626, which exceeds the predicted maximal expected frequency of a pathogenic allele (0.000025), suggesting this variant is benign. This variant has been reported in DCM and HCM patients, including one patient who also carries a TTN c.39069T>A/p.Tyr13023X (classified likely pathogenic in ClinVar). In addition, one clinical laboratory classified this variant as likely benign. Taken together, this variant was classified as benign.

Laboratory for Molecular Medicine, Mass General Brigham Personalized Medicine
Classification: Likely benign. Last evaluated: 2015-04-28. Review status: criteria provided, single submitter. Criteria: LMM Criteria. Collection method: clinical testing. Allele origin: germline. Observed: 10 variant alleles.
Comment: c.2829+5G>A in intron 22 of MYH6: This variant is not expected to have clinical significance because it has been identified in 0.3% (190/66740) European chromos omes by the Exome Aggregation Consortium (ExAC; dbSNP rs28730772).

Clinical Genetics DNA and cytogenetics Diagnostics Lab, Erasmus MC, Erasmus Medical Center
Classification: Benign. Review status: no assertion criteria provided. Collection method: clinical testing. Allele origin: germline. Affected: yes. Study: VKGL Data-share Consensus. Not counted in ClinVar's aggregate classification.

Clinical Genetics, Academic Medical Center
Classification: Benign. Review status: no assertion criteria provided. Collection method: clinical testing. Allele origin: germline. Affected: yes. Study: VKGL Data-share Consensus. Not counted in ClinVar's aggregate classification.

Diagnostic Laboratory, Department of Genetics, University Medical Center Groningen
Classification: Likely benign. Review status: no assertion criteria provided. Collection method: clinical testing. Allele origin: germline. Affected: yes. Study: VKGL Data-share Consensus. Not counted in ClinVar's aggregate classification.

Genome Diagnostics Laboratory, University Medical Center Utrecht
Classification: Likely benign. Review status: no assertion criteria provided. Collection method: clinical testing. Allele origin: germline. Affected: yes. Study: VKGL Data-share Consensus. Not counted in ClinVar's aggregate classification.

Joint Genome Diagnostic Labs from Nijmegen and Maastricht, Radboudumc and MUMC+
Classification: Benign. Review status: no assertion criteria provided. Collection method: clinical testing. Allele origin: germline. Affected: yes. Study: VKGL Data-share Consensus. Not counted in ClinVar's aggregate classification.

Literature cited by the submitters: PubMed 26656175 (cited by Ambry Genetics); PubMed 23396983 (cited by Women's Health and Genetics/Laboratory Corporation of America, LabCorp); PubMed 24503780 (cited by Women's Health and Genetics/Laboratory Corporation of America, LabCorp).

NM_002471.4(MYH6):c.2928+5G>A

Gene: MYH6 (myosin heavy chain 6; minus strand). Cytogenetic location: 14q11.2.
Variant type: single nucleotide variant.
Coding change: c.2928+5G>A on transcript NM_002471.4 (MANE Select); 5 bases into the intron after coding-DNA position 2928, G replaced by A.
Molecular consequence: intron variant.
Genome position (GRCh38, 1-based): chr14:23,393,661, C>T on the plus strand (G>A on the coding strand, the complement: MYH6 is on the minus strand). VCF-style: chr14-23393661-C-T. GRCh37 (hg19) VCF-style: chr14-23862870-C-T.
Identifiers: ClinVar variation 44473 (VCV000044473.66), dbSNP rs28730772, ClinGen allele CA134301.
Genomic context (GRCh38, chr14:23,393,661, plus strand): 5'-GGACAACACTCTAGTCTGGGAGTCTTGAGGAGACCTGGGCTGAAGCCAGAGGGAGCTGCC[C>T]TCACCTTGTTCTCTGTTGCATGCTTCTCCTTCTCCACCTTGGCCAGTGTCAGCTCCAGGT-3'